The following is an entry in ClinVar:

NM_005544.3(IRS1):c.2340G>A (p.Pro780=)

Gene: IRS1 (insulin receptor substrate 1; minus strand). Cytogenetic location: 2q36.3.
Variant type: single nucleotide variant.
Coding change: c.2340G>A on transcript NM_005544.3 (MANE Select); coding-DNA position 2340, G replaced by A.
Protein change: p.Pro780=; no amino-acid change (proline 780 retained).
Molecular consequence: synonymous variant.
Genome position (GRCh38, 1-based): chr2:226,796,399, C>T on the plus strand (G>A on the coding strand, the complement: IRS1 is on the minus strand). VCF-style: chr2-226796399-C-T. GRCh37 (hg19) VCF-style: chr2-227661115-C-T.
Identifiers: ClinVar variation 715476 (VCV000715476.29), dbSNP rs151052373, ClinGen allele CA2143119.
Genomic context (GRCh38, chr2:226,796,399, plus strand): 5'-ATAGAGAAGGCGACCAGAGCTAGTGGAAAGGCGGAGGTGCTGATGCCGGGCACCCTCCTC[C>T]GGCTCCCCGGGGCGCTGGGTGTGCTTAAAGGATCTTGGCAATGAGTAGTAGGAGAGGACT-3'
Protein context (NP_005535.1, residues 770-790): SFKHTQRPGE[Pro780=]EEGARHQHLR

ClinVar aggregate classification (germline): Benign/Likely benign. Review status: criteria provided, multiple submitters, no conflicts (2 of 4 stars). 3 submissions from 3 submitters: Benign (2); Likely benign (1). Last evaluated 2023-02-01.

Allele frequency attached by ClinVar (database versions not stated): 1000 Genomes Project 30x 0.00078; 1000 Genomes Project 0.00080; gnomAD 0.00309 and 0.00339; TOPMed 0.00322; ExAC 0.00362; ESP Exome Variant Server 0.00423.
gnomAD v4.1: 6,396 of 1,613,386 alleles (0.4%); highest among the groups gnomAD compares: Non-Finnish European, 0.48%; 28 homozygotes.

Submissions (3):

CeGaT Center for Human Genetics Tuebingen
Classification: Likely benign. Last evaluated: 2023-02-01. Review status: criteria provided, single submitter. Criteria: CeGaT Center For Human Genetics Tuebingen Variant Classification Criteria Version 2. Collection method: clinical testing. Allele origin: germline. Affected: yes. Observed: 1 variant allele.
Comment: IRS1: BP4, BP7, BS2

Labcorp Genetics (formerly Invitae), Labcorp
Classification: Benign. Last evaluated: 2019-12-31. Review status: criteria provided, single submitter. Criteria: Invitae Variant Classification Sherloc (09022015). Collection method: clinical testing. Allele origin: germline.

Breakthrough Genomics
Classification: Benign. Review status: criteria provided, single submitter. Criteria: ACMG Guidelines, 2015. Collection method: not provided. Allele origin: germline. Inheritance: Autosomal dominant inheritance. Affected: yes.